The following is an entry in ClinVar:

ClinVar aggregate classification (germline): Benign/Likely benign. Review status: criteria provided, multiple submitters, no conflicts (2 of 4 stars). 13 submissions from 13 submitters: Benign (4); Likely benign (3). 6 of the submissions do not count toward it. Last evaluated 2026-09-01.

Conditions:
COQ8A-related disorder. Also called: COQ8A-related condition.
Autosomal recessive ataxia due to ubiquinone deficiency. Also called: SPINOCEREBELLAR ATAXIA, AUTOSOMAL RECESSIVE 9; Coenzyme Q10 deficiency, primary, 4. Identifiers: Orphanet 139485, MedGen C2677589, MONDO:0012784, OMIM 612016.

Allele frequency attached by ClinVar (database versions not stated): 1000 Genomes Project 30x 0.00172; 1000 Genomes Project 0.00180; gnomAD 0.00488; TOPMed 0.00524; ESP Exome Variant Server 0.00800.
gnomAD v4.1: 13,085 of 1,613,048 alleles (0.81%); highest among the groups gnomAD compares: Non-Finnish European, 0.99%; 67 homozygotes.

Submissions (13):

CeGaT Center for Human Genetics Tuebingen
Classification: Likely benign. Last evaluated: 2026-09-01. Review status: criteria provided, single submitter. Criteria: CeGaT Center For Human Genetics Tuebingen Variant Classification Criteria Version 2. Collection method: clinical testing. Allele origin: germline. Affected: yes. Observed: 53 variant alleles.
Comment: COQ8A: BP4, BP7, BS2

Labcorp Genetics (formerly Invitae), Labcorp
Classification: Benign. Last evaluated: 2026-02-01. Review status: criteria provided, single submitter. Criteria: Invitae Variant Classification Sherloc (09022015). Collection method: clinical testing. Allele origin: germline.

Athena Diagnostics
Classification: Benign. Last evaluated: 2024-04-10. Review status: criteria provided, single submitter. Criteria: Athena Diagnostics Criteria. Collection method: clinical testing. Allele origin: unknown.

Illumina Laboratory Services, Illumina
Classification: Likely benign for Autosomal recessive ataxia due to ubiquinone deficiency. Last evaluated: 2018-01-12. Review status: criteria provided, single submitter. Criteria: ICSL Variant Classification Criteria 13 December 2019. Collection method: clinical testing. Allele origin: germline.
Comment: This variant was observed in the ICSL laboratory as part of a predisposition screen in an ostensibly healthy population. It had not been previously curated by ICSL or reported in the Human Gene Mutation Database (HGMD: prior to June 1st, 2018), and was therefore a candidate for classification through an automated scoring system. Utilizing variant allele frequency, disease prevalence and penetrance estimates, and inheritance mode, an automated score was calculated to assess if this variant is too frequent to cause the disease. Based on the score and internal cut-off values, a variant classified as likely benign is not then subjected to further curation. The score for this variant resulted in a classification of likely benign for this disease.

Eurofins Ntd Llc (ga)
Classification: Benign. Last evaluated: 2017-06-12. Review status: criteria provided, single submitter. Criteria: EGL Classification Definitions 2015. Collection method: clinical testing. Allele origin: germline. Observed: 1 variant allele, 1 heterozygote.

GeneDx
Classification: Benign. Last evaluated: 2013-09-04. Review status: criteria provided, single submitter. Criteria: GeneDx Variant Classification (06012015). Collection method: clinical testing. Allele origin: germline. Affected: yes.
Comment: This variant is considered likely benign or benign based on one or more of the following criteria: it is a conservative change, it occurs at a poorly conserved position in the protein, it is predicted to be benign by multiple in silico algorithms, and/or has population frequency not consistent with disease.

Breakthrough Genomics
Classification: Likely benign. Review status: criteria provided, single submitter. Criteria: ACMG Guidelines, 2015. Collection method: not provided. Allele origin: germline. Inheritance: Autosomal recessive inheritance. Affected: yes.

PreventionGenetics, part of Exact Sciences
Classification: Benign for COQ8A-related condition. Last evaluated: 2021-01-28. Review status: no assertion criteria provided. Collection method: clinical testing. Allele origin: germline. Not counted in ClinVar's aggregate classification.
Comment: This variant is classified as benign based on ACMG/AMP sequence variant interpretation guidelines (Richards et al. 2015 PMID: 25741868, with internal and published modifications).

Mayo Clinic Laboratories, Mayo Clinic
Classification: Benign. Last evaluated: 2016-02-23. Review status: no assertion criteria provided. Collection method: clinical testing. Allele origin: unknown. Not counted in ClinVar's aggregate classification.

Clinical Genetics DNA and cytogenetics Diagnostics Lab, Erasmus MC, Erasmus Medical Center
Classification: Likely benign. Review status: no assertion criteria provided. Collection method: clinical testing. Allele origin: germline. Affected: yes. Study: VKGL Data-share Consensus. Not counted in ClinVar's aggregate classification.

Clinical Genetics, Academic Medical Center
Classification: Benign. Review status: no assertion criteria provided. Collection method: clinical testing. Allele origin: germline. Affected: yes. Study: VKGL Data-share Consensus. Not counted in ClinVar's aggregate classification.

Diagnostic Laboratory, Department of Genetics, University Medical Center Groningen
Classification: Likely benign for Autosomal recessive ataxia due to ubiquinone deficiency. Review status: no assertion criteria provided. Collection method: clinical testing. Allele origin: germline. Affected: yes. Study: VKGL Data-share Consensus. Not counted in ClinVar's aggregate classification.

Joint Genome Diagnostic Labs from Nijmegen and Maastricht, Radboudumc and MUMC+
Classification: Benign. Review status: no assertion criteria provided. Collection method: clinical testing. Allele origin: germline. Affected: yes. Study: VKGL Data-share Consensus. Not counted in ClinVar's aggregate classification.

Literature cited by the submitters: PubMed 29255295 (cited by Athena Diagnostics); PubMed 32058622 (cited by Athena Diagnostics).

NM_020247.5(COQ8A):c.1185C>T (p.Ile395=)

Gene: COQ8A (coenzyme Q8A; plus strand). Cytogenetic location: 1q42.13.
Variant type: single nucleotide variant.
Coding change: c.1185C>T on transcript NM_020247.5 (MANE Select); coding-DNA position 1185, C replaced by T.
Protein change: p.Ile395=; no amino-acid change (isoleucine 395 retained).
Molecular consequence: synonymous variant.
Genome position (GRCh38, 1-based): chr1:226,983,783, C>T. VCF-style: chr1-226983783-C-T. GRCh37 (hg19) VCF-style: chr1-227171484-C-T.
Other names: p.I395I:ATC>ATT.
Identifiers: ClinVar variation 136303 (VCV000136303.64), dbSNP rs17849927, ClinGen allele CA289311.
Genomic context (GRCh38, chr1:226,983,783, plus strand): 5'-AGCCCCCTTCCTCGCTGATGCCCTCCTCCCTGGCCCAGGCCTGTTCCCCGAGCACCTGAT[C>T]GACGTGCTGAGGCGGGAGCTGGCCCTGGAGTGTGACTACCAGCGAGAGGCCGCCTGTGCC-3'
Protein context (NP_064632.2, residues 385-405): LPEGLFPEHL[Ile395=]DVLRRELALE